The following is an entry in ClinVar:

NM_000069.3(CACNA1S):c.2816del (p.Gln939fs)

Gene: CACNA1S (calcium voltage-gated channel subunit alpha1 S; minus strand). Cytogenetic location: 1q32.1.
Variant type: Deletion.
Coding change: c.2816del on transcript NM_000069.3 (MANE Select); coding-DNA position 2816, one base deleted (A; older notation c.2816delA).
Protein change: p.Gln939fs; shifts the reading frame from glutamine 939.
Molecular consequence: frameshift variant.
Genome position (GRCh38, 1-based): chr1:201,065,875, T deleted on the plus strand (A on the coding strand, the reverse complement: CACNA1S is on the minus strand). VCF-style (leftmost placement, unchanged base first): chr1-201065874-CT-C. GRCh37 (hg19) VCF-style: chr1-201035002-CT-C.
Other names: short protein forms Q939fs.
Identifiers: ClinVar variation 3074034 (VCV003074034.1), dbSNP rs2464518339, ClinGen allele CA2825000879.
Genomic context (GRCh38, chr1:201,065,874, plus strand): 5'-CTGCTCGCGCAGGCTGGGGCTCACCTTGAAGAGCTGGACGCCGATGCAGGCAAACATGAA[CT>C]GTAGGAGGGTAGTGACCAGCACGATGTTCCCGATGGTGCTGATGGCCACGAACATGCACT-3'

ClinVar aggregate classification (germline): Uncertain significance (1 of 4 stars; one submission).

Conditions:
Malignant hyperthermia, susceptibility to, 5 (MHS5). Also called: CACNA1S-Related Malignant Hyperthermia Susceptibility. Identifiers: Orphanet 423, MedGen C1866077, MONDO:0011163, OMIM 601887.

Submission:

All of Us Research Program, National Institutes of Health
Classification: Uncertain significance for Malignant hyperthermia, susceptibility to, 5. Last evaluated: 2023-10-23. Review status: criteria provided, single submitter. Criteria: ACMG Guidelines, 2015. Collection method: clinical testing. Allele origin: germline. Inheritance: Autosomal dominant inheritance. Observed: 1 variant allele, 1 heterozygote.
Comment: This variant deletes 1 nucleotide in exon 22 of the CACNA1S gene, creating a frameshift and premature translation stop signal. This variant is expected to result in an absent or non-functional protein product. To our knowledge, this variant has not been reported in individuals affected with CACNA1S-related disorders in the literature. This variant has not been identified in the general population by the Genome Aggregation Database (gnomAD). Loss of CACNA1S function due to truncation variants is not an established disease mechanism for autosomal dominant malignant hyperthermia. Due to insufficient evidence, this variant is classified as a Variant of Uncertain Significance for autosomal dominant malignant hyperthermia.

This study involves interpretation of variants in research participants for the purpose of population health screening. Participant phenotype was not available at the time of variant classification. Additional details can be found in publication PMID: 35346344, PMCID: PMC8962531